The following is an entry in ClinVar:

ClinVar aggregate classification (germline): Uncertain significance. Review status: criteria provided, multiple submitters, no conflicts (2 of 4 stars). 2 submissions from 2 submitters: Uncertain significance (2). Last evaluated 2023-07-18.

Conditions:
Hypogonadotropic hypogonadism 2 with or without anosmia (HH2). Also called: HYPOGONADOTROPIC HYPOGONADISM 2 WITHOUT ANOSMIA; FGFR1-Related GnRH Deficiency (Kallmann Syndrome 2); HYPOGONADOTROPIC HYPOGONADISM 2 WITH OR WITHOUT ANOSMIA, SUSCEPTIBILITY TO; HYPOGONADOTROPIC HYPOGONADISM 2 WITHOUT ANOSMIA, SUSCEPTIBILITY TO. Identifiers: Orphanet 478, MedGen C1563720, MONDO:0007844, OMIM 147950. Disease mechanism: loss of function.
Pfeiffer syndrome (ACS5). Also called: ACS V. Identifiers: Orphanet 710, MedGen C0220658, MONDO:0007043, OMIM 101600.

Allele frequency attached by ClinVar (database versions not stated): TOPMed below 0.00001.

Submissions (2):

Women's Health and Genetics/Laboratory Corporation of America, LabCorp
Classification: Uncertain significance. Last evaluated: 2023-07-18. Review status: criteria provided, single submitter. Criteria: LabCorp Variant Classification Summary - May 2015. Collection method: clinical testing. Allele origin: germline.
Comment: Variant summary: FGFR1 c.1552T>G (p.Ser518Ala) results in a conservative amino acid change located in the Protein kinase domain (IPR000719) of the encoded protein sequence. Four of five in-silico tools predict a benign effect of the variant on protein function. 4/4 computational tools predict no significant impact on normal splicing. However, these predictions have yet to be confirmed by functional studies. The variant was absent in 249588 control chromosomes. The available data on variant occurrences in the general population are insufficient to allow any conclusion about variant significance. To our knowledge, no occurrence of c.1552T>G in individuals affected with FGFR1-Related Disorders and no experimental evidence demonstrating its impact on protein function have been reported. One submitter has cited clinical-significance assessments for this variant to ClinVar after 2014 and has classified the variant as uncertain significance. Based on the evidence outlined above, the variant was classified as uncertain significance.

Labcorp Genetics (formerly Invitae), Labcorp
Classification: Uncertain significance for Pfeiffer syndrome; Hypogonadotropic hypogonadism 2 with or without anosmia. Last evaluated: 2022-01-13. Review status: criteria provided, single submitter. Criteria: Invitae Variant Classification Sherloc (09022015). Collection method: clinical testing. Allele origin: germline.
Comment: This variant has not been reported in the literature in individuals affected with FGFR1-related conditions. This sequence change replaces serine, which is neutral and polar, with alanine, which is neutral and non-polar, at codon 518 of the FGFR1 protein (p.Ser518Ala). This variant is not present in population databases (gnomAD no frequency). Algorithms developed to predict the effect of missense changes on protein structure and function output the following: SIFT: "Tolerated"; PolyPhen-2: "Benign"; Align-GVGD: "Class C0". The alanine amino acid residue is found in multiple mammalian species, which suggests that this missense change does not adversely affect protein function. Algorithms developed to predict the effect of sequence changes on RNA splicing suggest that this variant may create or strengthen a splice site. In summary, the available evidence is currently insufficient to determine the role of this variant in disease. Therefore, it has been classified as a Variant of Uncertain Significance.

NM_023110.3(FGFR1):c.1552T>G (p.Ser518Ala)

Gene: FGFR1 (fibroblast growth factor receptor 1; minus strand). Cytogenetic location: 8p11.23.
Variant type: single nucleotide variant.
Coding change: c.1552T>G on transcript NM_023110.3 (MANE Select); coding-DNA position 1552, T replaced by G.
Protein change: p.Ser518Ala; replaces serine 518 with alanine.
Molecular consequence: missense variant.
Genome position (GRCh38, 1-based): chr8:38,417,870, A>C on the plus strand (T>G on the coding strand, the complement: FGFR1 is on the minus strand). VCF-style: chr8-38417870-A-C. GRCh37 (hg19) VCF-style: chr8-38275388-A-C.
Other names: c.1552T>G, p.Ser518Ala (NM_000604.2); c.1546T>G, p.Ser516Ala (NM_001174063.2, NM_001174065.2, NM_001354367.2 and 1 more transcripts); c.1522T>G, p.Ser508Ala (NM_001174064.2); c.1285T>G, p.Ser429Ala (NM_001174066.2, NM_023105.3); c.1645T>G, p.Ser549Ala (NM_001174067.2); c.1273T>G, p.Ser425Ala (NM_001354368.2); c.1540T>G, p.Ser514Ala (NM_001354369.2, NM_001410922.1); c.1279T>G, p.Ser427Ala (NM_001354370.2, NM_023106.3); short protein forms S518A, S549A, S425A, S508A, S427A, S429A, S514A, S516A.
Identifiers: ClinVar variation 1969261 (VCV001969261.6), dbSNP rs1817264945, ClinGen allele CA370732904.